The following is an entry in ClinVar:

ClinVar aggregate classification (germline): Likely benign. Review status: criteria provided, multiple submitters, no conflicts (2 of 4 stars). 6 submissions from 6 submitters: Likely benign (4). 2 of the submissions do not count toward it. Last evaluated 2026-01-20.

Conditions:
Kabuki syndrome. Also called: NIIKAWA-KUROKI SYNDROME; Kabuki make-up syndrome. Identifiers: Orphanet 2322, MedGen C0796004, MONDO:0016512.

Allele frequency attached by ClinVar (database versions not stated): gnomAD 0.00017 and 0.00019; ExAC 0.00018; gnomAD exomes 0.00018 and 0.00019; TOPMed 0.00019; ESP Exome Variant Server 0.00024.

Submissions (6):

Labcorp Genetics (formerly Invitae), Labcorp
Classification: Likely benign for Kabuki syndrome. Last evaluated: 2026-01-20. Review status: criteria provided, single submitter. Criteria: Invitae Variant Classification Sherloc (09022015). Collection method: clinical testing. Allele origin: germline.

CeGaT Center for Human Genetics Tuebingen
Classification: Likely benign. Last evaluated: 2024-04-01. Review status: criteria provided, single submitter. Criteria: CeGaT Center For Human Genetics Tuebingen Variant Classification Criteria Version 2. Collection method: clinical testing. Allele origin: germline. Affected: yes. Observed: 4 variant alleles.
Comment: KMT2D: BP4, BP7

Blueprint Genetics
Classification: Likely benign. Last evaluated: 2023-10-27. Review status: criteria provided, single submitter. Criteria: ACMG Guidelines, 2015. Collection method: clinical testing. Allele origin: germline.

GeneDx
Classification: Likely benign. Last evaluated: 2020-12-28. Review status: criteria provided, single submitter. Criteria: GeneDx Variant Classification Process June 2021. Collection method: clinical testing. Allele origin: germline. Affected: yes.

Clinical Genetics DNA and cytogenetics Diagnostics Lab, Erasmus MC, Erasmus Medical Center
Classification: Likely benign. Review status: no assertion criteria provided. Collection method: clinical testing. Allele origin: germline. Affected: yes. Study: VKGL Data-share Consensus. Not counted in ClinVar's aggregate classification.

Genome Diagnostics Laboratory, University Medical Center Utrecht
Classification: Likely benign. Review status: no assertion criteria provided. Collection method: clinical testing. Allele origin: germline. Affected: yes. Study: VKGL Data-share Consensus. Not counted in ClinVar's aggregate classification.

NM_003482.4(KMT2D):c.8068C>T (p.Leu2690=)

Gene: KMT2D (lysine methyltransferase 2D; minus strand). Cytogenetic location: 12q13.12.
Variant type: single nucleotide variant.
Coding change: c.8068C>T on transcript NM_003482.4 (MANE Select); coding-DNA position 8068, C replaced by T.
Protein change: p.Leu2690=; no amino-acid change (leucine 2690 retained).
Molecular consequence: synonymous variant.
Genome position (GRCh38, 1-based): chr12:49,039,596, G>A on the plus strand (C>T on the coding strand, the complement: KMT2D is on the minus strand). VCF-style: chr12-49039596-G-A. GRCh37 (hg19) VCF-style: chr12-49433379-G-A.
Identifiers: ClinVar variation 309042 (VCV000309042.41), dbSNP rs370846697, ClinGen allele CA6546918.